The following is an entry in ClinVar:

ClinVar aggregate classification (germline): Uncertain significance (1 of 4 stars; one submission).

Conditions:
Tatton-Brown-Rahman overgrowth syndrome. Also called: Tall stature-intellectual disability-facial dysmorphism syndrome; Tatton-Brown-Rahman syndrome. Identifiers: Orphanet 404443, MedGen C4014545, MONDO:0014382, OMIM 615879.

Submission:

Labcorp Genetics (formerly Invitae), Labcorp
Classification: Uncertain significance for Tatton-Brown-Rahman overgrowth syndrome. Last evaluated: 2025-08-11. Review status: criteria provided, single submitter. Criteria: Invitae Variant Classification Sherloc (09022015). Collection method: clinical testing. Allele origin: germline.
Comment: This sequence change replaces glycine, which is neutral and non-polar, with arginine, which is basic and polar, at codon 646 of the DNMT3A protein (p.Gly646Arg). This variant also falls at the last nucleotide of exon 16, which is part of the consensus splice site for this exon. This variant is not present in population databases (gnomAD no frequency). This missense change has been observed in individual(s) with Tatton-Brown-Rahman syndrome (PMID: 35904121). Invitae Evidence Modeling of protein sequence and biophysical properties (such as structural, functional, and spatial information, amino acid conservation, physicochemical variation, residue mobility, and thermodynamic stability) indicates that this missense variant is expected to disrupt DNMT3A protein function with a positive predictive value of 95%. Variants that disrupt the consensus splice site are a relatively common cause of aberrant splicing (PMID: 17576681, 9536098). Algorithms developed to predict the effect of sequence changes on RNA splicing suggest that this variant may disrupt the consensus splice site. In summary, the available evidence is currently insufficient to determine the role of this variant in disease. Therefore, it has been classified as a Variant of Uncertain Significance.

Literature cited by the submitters: PubMed 35904121; PubMed 17576681; PubMed 9536098.

NM_022552.5(DNMT3A):c.1936G>C (p.Gly646Arg)

Gene: DNMT3A (DNA methyltransferase 3 alpha; minus strand). Cytogenetic location: 2p23.3.
Variant type: single nucleotide variant.
Coding change: c.1936G>C on transcript NM_022552.5 (MANE Select); coding-DNA position 1936, G replaced by C.
Protein change: p.Gly646Arg; replaces glycine 646 with arginine.
Molecular consequence: missense variant. On other transcripts: non-coding transcript variant (1).
Genome position (GRCh38, 1-based): chr2:25,243,898, C>G on the plus strand (G>C on the coding strand, the complement: DNMT3A is on the minus strand). VCF-style: chr2-25243898-C-G. GRCh37 (hg19) VCF-style: chr2-25466767-C-G.
Other names: c.1480G>C, p.Gly494Arg (NM_001320893.1); c.1267G>C, p.Gly423Arg (NM_001375819.1); c.1369G>C, p.Gly457Arg (NM_153759.3); c.1936G>C, p.Gly646Arg (NM_175629.2); short protein forms G646R, G494R, G423R, G457R.
Identifiers: ClinVar variation 4709741 (VCV004709741.1).